The following is an entry in ClinVar:

ClinVar aggregate classification (germline): Uncertain significance (1 of 4 stars; one submission).

Conditions:
Singleton-Merten syndrome 1 (SGMRT1). Also called: Syndrome of widened medullary cavities of the metacarpals and phalanges, aortic calcification and abnormal dentition; Widened medullary cavities of bone, aortic calcification, abnormal dentition, and muscular weakness. Identifiers: Orphanet 85191, MedGen C4225427, MONDO:0024535, OMIM 182250.
Aicardi-Goutieres syndrome 7 (AGS7). Identifiers: Orphanet 51, MedGen C3888244, MONDO:0014367, OMIM 615846.

Allele frequency attached by ClinVar (database versions not stated): gnomAD exomes below 0.00001.
gnomAD v4.1: 1 of 1,613,894 alleles (0.000062%); highest among the groups gnomAD compares: Non-Finnish European, 0.000085%; no homozygotes.

Submission:

Labcorp Genetics (formerly Invitae), Labcorp
Classification: Uncertain significance for Aicardi-Goutieres syndrome 7; Singleton-Merten syndrome 1. Last evaluated: 2023-03-17. Review status: criteria provided, single submitter. Criteria: Invitae Variant Classification Sherloc (09022015). Collection method: clinical testing. Allele origin: germline.
Comment: This sequence change replaces glutamic acid, which is acidic and polar, with glycine, which is neutral and non-polar, at codon 717 of the IFIH1 protein (p.Glu717Gly). In summary, the available evidence is currently insufficient to determine the role of this variant in disease. Therefore, it has been classified as a Variant of Uncertain Significance. Algorithms developed to predict the effect of missense changes on protein structure and function output the following: SIFT: "Not Available"; PolyPhen-2: "Benign"; Align-GVGD: "Not Available". The glycine amino acid residue is found in multiple mammalian species, which suggests that this missense change does not adversely affect protein function. ClinVar contains an entry for this variant (Variation ID: 1717937). This variant has not been reported in the literature in individuals affected with IFIH1-related conditions. This variant is not present in population databases (gnomAD no frequency).

NM_022168.4(IFIH1):c.2150A>G (p.Glu717Gly)

Gene: IFIH1 (interferon induced with helicase C domain 1; minus strand). Cytogenetic location: 2q24.2.
Variant type: single nucleotide variant.
Coding change: c.2150A>G on transcript NM_022168.4 (MANE Select); coding-DNA position 2150, A replaced by G.
Protein change: p.Glu717Gly; replaces glutamic acid 717 with glycine.
Molecular consequence: missense variant.
Genome position (GRCh38, 1-based): chr2:162,276,841, T>C on the plus strand (A>G on the coding strand, the complement: IFIH1 is on the minus strand). VCF-style: chr2-162276841-T-C. GRCh37 (hg19) VCF-style: chr2-163133351-T-C.
Other names: short protein forms E717G.
Identifiers: ClinVar variation 1717937 (VCV001717937.5), dbSNP rs2468958109, ClinGen allele CA348997252.